The following is an entry in ClinVar:

ClinVar aggregate classification (germline): Conflicting classifications of pathogenicity. Review status: criteria provided, conflicting classifications (1 of 4 stars). 3 submissions from 3 submitters: Uncertain significance (2); Likely benign (1). Last evaluated 2024-11-27.

Conditions:
Inborn genetic diseases. Identifiers: MedGen C0950123, MeSH D030342.

Allele frequency attached by ClinVar (database versions not stated): gnomAD 0.00001; TOPMed 0.00001.
gnomAD v4.1: 9 of 1,605,598 alleles (0.00056%); highest among the groups gnomAD compares: South Asian, 0.0011%; no homozygotes.

Submissions (3):

Blueprint Genetics
Classification: Likely benign. Last evaluated: 2024-11-27. Review status: criteria provided, single submitter. Criteria: ACMG Guidelines, 2015. Collection method: clinical testing. Allele origin: germline.

Labcorp Genetics (formerly Invitae), Labcorp
Classification: Uncertain significance. Last evaluated: 2022-08-19. Review status: criteria provided, single submitter. Criteria: Invitae Variant Classification Sherloc (09022015). Collection method: clinical testing. Allele origin: germline.
Comment: This variant is not present in population databases (gnomAD no frequency). This sequence change replaces glycine, which is neutral and non-polar, with alanine, which is neutral and non-polar, at codon 595 of the COL4A2 protein (p.Gly595Ala). In summary, the available evidence is currently insufficient to determine the role of this variant in disease. Therefore, it has been classified as a Variant of Uncertain Significance. Advanced modeling of protein sequence and biophysical properties (such as structural, functional, and spatial information, amino acid conservation, physicochemical variation, residue mobility, and thermodynamic stability) performed at Invitae indicates that this missense variant is expected to disrupt COL4A2 protein function. This variant has not been reported in the literature in individuals affected with COL4A2-related conditions.

Ambry Genetics
Classification: Uncertain significance for Inborn genetic diseases. Last evaluated: 2022-04-22. Review status: criteria provided, single submitter. Criteria: Ambry Variant Classification Scheme 2023. Collection method: clinical testing. Allele origin: germline.

NM_001846.4(COL4A2):c.1784G>C (p.Gly595Ala)

Gene: COL4A2 (collagen type IV alpha 2 chain; plus strand). Cytogenetic location: 13q34.
Variant type: single nucleotide variant.
Coding change: c.1784G>C on transcript NM_001846.4 (MANE Select); coding-DNA position 1784, G replaced by C.
Protein change: p.Gly595Ala; replaces glycine 595 with alanine.
Molecular consequence: missense variant.
Genome position (GRCh38, 1-based): chr13:110,465,412, G>C. VCF-style: chr13-110465412-G-C. GRCh37 (hg19) VCF-style: chr13-111117759-G-C.
Other names: short protein forms G595A.
Identifiers: ClinVar variation 1910358 (VCV001910358.7), dbSNP rs1349161442, ClinGen allele CA388739200.
Genomic context (GRCh38, chr13:110,465,412, plus strand): 5'-GCGATCTTTAACATTAGTATATATTTTAAGAAATAAACTGAATTTTCACACAGGGTGATG[G>C]CATCAAGGGCCCTCCAGGGGACCCAGGCTATCCAGGAATACCTGGAACGAAGGGTACTCC-3'
Protein context (NP_001837.2, residues 585-605): FPGLPGPPGD[Gly595Ala]IKGPPGDPGY